The following is an entry in ClinVar:

NM_007348.4(ATF6):c.484+3A>C

Gene: ATF6 (activating transcription factor 6; plus strand). Cytogenetic location: 1q23.3.
Variant type: single nucleotide variant.
Coding change: c.484+3A>C on transcript NM_007348.4 (MANE Select); 3 bases into the intron after coding-DNA position 484, A replaced by C.
Molecular consequence: intron variant.
Genome position (GRCh38, 1-based): chr1:161,791,540, A>C. VCF-style: chr1-161791540-A-C. GRCh37 (hg19) VCF-style: chr1-161761330-A-C.
Identifiers: ClinVar variation 1014070 (VCV001014070.5), dbSNP rs1684882180, ClinGen allele CA1202887819.

ClinVar aggregate classification (germline): Uncertain significance (1 of 4 stars; one submission).

Submission:

Labcorp Genetics (formerly Invitae), Labcorp
Classification: Uncertain significance. Last evaluated: 2020-10-27. Review status: criteria provided, single submitter. Criteria: Invitae Variant Classification Sherloc (09022015). Collection method: clinical testing. Allele origin: germline.
Comment: Nucleotide substitutions within the consensus splice site are a relatively common cause of aberrant splicing (PMID: 17576681, 9536098). Algorithms developed to predict the effect of sequence changes on RNA splicing suggest that this variant may disrupt the consensus splice site, but this prediction has not been confirmed by published transcriptional studies. This sequence change falls in intron 5 of the ATF6 gene. It does not directly change the encoded amino acid sequence of the ATF6 protein. It affects a nucleotide within the consensus splice site of the intron. This variant is not present in population databases (ExAC no frequency). This variant has not been reported in the literature in individuals with ATF6-related conditions. In summary, the available evidence is currently insufficient to determine the role of this variant in disease. Therefore, it has been classified as a Variant of Uncertain Significance.

Literature cited by the submitters: PubMed 17576681; PubMed 9536098.